The following is an entry in ClinVar:

NM_025099.6(CTC1):c.647+6T>C

Gene: CTC1 (CST telomere replication complex component 1; minus strand). Cytogenetic location: 17p13.1.
Variant type: single nucleotide variant.
Coding change: c.647+6T>C on transcript NM_025099.6 (MANE Select); 6 bases into the intron after coding-DNA position 647, T replaced by C.
Molecular consequence: intron variant.
Genome position (GRCh38, 1-based): chr17:8,238,025, A>G on the plus strand (T>C on the coding strand, the complement: CTC1 is on the minus strand). VCF-style: chr17-8238025-A-G. GRCh37 (hg19) VCF-style: chr17-8141343-A-G.
Other names: c.647+6T>C (NM_001411067.1).
Identifiers: ClinVar variation 2794734 (VCV002794734.3), dbSNP rs2507946127, ClinGen allele CA2635987826.

ClinVar aggregate classification (germline): Uncertain significance (1 of 4 stars; one submission).

Conditions:
Dyskeratosis congenita. Identifiers: Orphanet 1775, MedGen C0265965, MONDO:0015780.

Allele frequency attached by ClinVar (database versions not stated): gnomAD exomes below 0.00001.
gnomAD v4.1: 1 of 1,609,868 alleles (0.000062%); highest among the groups gnomAD compares: Non-Finnish European, 0.000085%; no homozygotes.

Submission:

Labcorp Genetics (formerly Invitae), Labcorp
Classification: Uncertain significance for Dyskeratosis congenita. Last evaluated: 2023-10-14. Review status: criteria provided, single submitter. Criteria: Invitae Variant Classification Sherloc (09022015). Collection method: clinical testing. Allele origin: germline.
Comment: This sequence change falls in intron 4 of the CTC1 gene. It does not directly change the encoded amino acid sequence of the CTC1 protein. It affects a nucleotide within the consensus splice site. This variant is not present in population databases (gnomAD no frequency). This variant has not been reported in the literature in individuals affected with CTC1-related conditions. Variants that disrupt the consensus splice site are a relatively common cause of aberrant splicing (PMID: 17576681, 9536098). Algorithms developed to predict the effect of sequence changes on RNA splicing suggest that this variant is not likely to affect RNA splicing. In summary, the available evidence is currently insufficient to determine the role of this variant in disease. Therefore, it has been classified as a Variant of Uncertain Significance.

Literature cited by the submitters: PubMed 17576681; PubMed 9536098.